The following is an entry in ClinVar:

NM_001267550.2(TTN):c.68528-1G>T

Genes: TTN (titin; minus strand), TTN-AS1 (TTN antisense RNA 1; plus strand). Cytogenetic location: 2q31.2.
Variant type: single nucleotide variant.
Coding change: c.68528-1G>T on transcript NM_001267550.2 (MANE Select); the canonical splice acceptor site of the intron before coding-DNA position 68528, G replaced by T.
Molecular consequence: splice acceptor variant.
Genome position (GRCh38, 1-based): chr2:178,577,899, C>A on the plus strand (G>T on the coding strand, the complement: TTN is on the minus strand). VCF-style: chr2-178577899-C-A. GRCh37 (hg19) VCF-style: chr2-179442626-C-A.
Other names: c.41333-1G>T (NM_003319.4); c.41909-1G>T (NM_133437.4); c.41708-1G>T (NM_133432.3); c.60824-1G>T (NM_133378.4); c.63605-1G>T (NM_001256850.1).
Identifiers: ClinVar variation 1738096 (VCV001738096.2), dbSNP rs2468802751, ClinGen allele CA349672074.

ClinVar aggregate classification (germline): Uncertain significance (1 of 4 stars; one submission).

Conditions:
Cardiovascular phenotype. Identifiers: MedGen CN230736.

Allele frequency attached by ClinVar (database versions not stated): gnomAD exomes below 0.00001.
gnomAD v4.1: 1 of 1,582,022 alleles (0.000063%); highest among the groups gnomAD compares: Non-Finnish European, 0.000086%; no homozygotes.

Submission:

Ambry Genetics
Classification: Uncertain significance for Cardiovascular phenotype. Last evaluated: 2021-08-04. Review status: criteria provided, single submitter. Criteria: Ambry Variant Classification Scheme 2023. Collection method: clinical testing. Allele origin: germline.
Comment: The c.41333-1G>T intronic variant results from a G to T substitution one nucleotide upstream from coding exon 150 of the TTN gene. Exon 150 is located in the A-band region of the N2-B isoform of the titin protein and is constitutively expressed in TTN transcripts (percent spliced in or PSI 100%). This nucleotide position is highly conserved in available vertebrate species. In silico splice site analysis predicts that this alteration will weaken the native splice acceptor site and may result in the creation or strengthening of a novel splice acceptor site. This alteration disrupts the canonical splice site and is expected to cause aberrant splicing. However, although direct evidence is unavailable, this alteration is predicted to result in an in-frame transcript that is not expected to trigger nonsense-mediated mRNA decay. The exact functional effect of the predicted splice impact is unknown. Since supporting evidence is limited at this time, the clinical significance of this alteration remains unclear.